The following is an entry in ClinVar:

ClinVar aggregate classification (germline): Conflicting classifications of pathogenicity. Review status: criteria provided, conflicting classifications (1 of 4 stars). 3 submissions from 3 submitters: Likely pathogenic (2); Uncertain significance (1). Last evaluated 2025-08-11.

Conditions:
Early-infantile DEE. Also called: Early infantile epileptic encephalopathy; Ohtahara syndrome; Early infantile epileptic encephalopathy with suppression bursts. Identifiers: Orphanet 1934, MedGen C0393706, MONDO:0800491.
Inborn genetic diseases. Identifiers: MedGen C0950123, MeSH D030342.

Submissions (3):

Labcorp Genetics (formerly Invitae), Labcorp
Classification: Uncertain significance for Early-infantile DEE. Last evaluated: 2025-08-11. Review status: criteria provided, single submitter. Criteria: Invitae Variant Classification Sherloc (09022015). Collection method: clinical testing. Allele origin: germline.
Comment: This sequence change replaces tyrosine, which is neutral and polar, with cysteine, which is neutral and slightly polar, at codon 1769 of the SCN1A protein (p.Tyr1769Cys). This variant is not present in population databases (gnomAD no frequency). This variant has not been reported in the literature in individuals affected with SCN1A-related conditions. ClinVar contains an entry for this variant (Variation ID: 265303). Invitae Evidence Modeling of protein sequence and biophysical properties (such as structural, functional, and spatial information, amino acid conservation, physicochemical variation, residue mobility, and thermodynamic stability) indicates that this missense variant is expected to disrupt SCN1A protein function with a positive predictive value of 95%. This variant disrupts the p.Tyr1769 amino acid residue in SCN1A. Other variant(s) that disrupt this residue have been observed in individuals with SCN1A-related conditions (PMID: 18076640; internal dara), which suggests that this may be a clinically significant amino acid residue. In summary, the available evidence is currently insufficient to determine the role of this variant in disease. Therefore, it has been classified as a Variant of Uncertain Significance.

Ambry Genetics
Classification: Likely pathogenic for Inborn genetic diseases. Last evaluated: 2017-08-16. Review status: criteria provided, single submitter. Criteria: Ambry Variant Classification Scheme 2023. Collection method: clinical testing. Allele origin: germline.
Comment: The p.Y1769C variant (also known as c.5306A>G), located in coding exon 26 of the SCN1A gene, results from an A to G substitution at nucleotide position 5306. The tyrosine at codon 1769 is replaced by cysteine, an amino acid with highly dissimilar properties. This amino acid position is highly conserved in available vertebrate species. In addition, this alteration is predicted to be deleterious by in silico analysis. Based on the majority of available evidence to date, this variant is likely to be pathogenic.

GeneDx
Classification: Likely pathogenic. Last evaluated: 2016-06-23. Review status: criteria provided, single submitter. Criteria: GeneDx Variant Classification (06012015). Collection method: clinical testing. Allele origin: germline. Affected: yes.
Comment: The Y1769C variant that is likely pathogenic has not been published as a pathogenic variant, nor has it been reported as a benign variant to our knowledge. It was not observed in approximately 6,500 individuals of European and African American ancestry in the NHLBI Exome Sequencing Project, indicating it is not a common benign variant in these populations. The Y1769C variant is a non-conservative amino acid substitution, which is likely to impact secondary protein structure as these residues differ in polarity, charge, size, and/or other properties. This substitution alters a conserved position predicted to be within the transmembrane segment S6 of the fourth homologous domain of the SCN1A protein. A different missense variant at the same position (Y1769H) as well as missense variants in nearby residues (F1765L, I1771F/N, S1773F) have been reported in the Human Gene Mutation Database in association with SCN1A-related disorders (Stenson et al., 2014), supporting the functional importance of this region of the protein. In silico analysis predicts this variant is probably damaging to the protein structure/function. Therefore, this variant is likely pathogenic; however, the possibility that it is benign cannot be excluded.

Literature cited by the submitters: PubMed 18076640 (cited by Labcorp Genetics (formerly Invitae), Labcorp).

NM_001165963.4(SCN1A):c.5306A>G (p.Tyr1769Cys)

Genes: SCN1A (sodium voltage-gated channel alpha subunit 1; minus strand), LOC102724058 (uncharacterized LOC102724058; plus strand). Cytogenetic location: 2q24.3.
Variant type: single nucleotide variant.
Coding change: c.5306A>G on transcript NM_001165963.4 (MANE Select); coding-DNA position 5306, A replaced by G.
Protein change: p.Tyr1769Cys; replaces tyrosine 1769 with cysteine.
Molecular consequence: missense variant. On other transcripts: non-coding transcript variant (1).
Genome position (GRCh38, 1-based): chr2:165,991,969, T>C on the plus strand (A>G on the coding strand, the complement: SCN1A is on the minus strand). VCF-style: chr2-165991969-T-C. GRCh37 (hg19) VCF-style: chr2-166848479-T-C.
Other names: c.5222A>G, p.Tyr1741Cys (NM_001165964.3, NM_001353957.2, NM_001353958.2); c.5306A>G, p.Tyr1769Cys (NM_001202435.3, NM_001353948.2); c.5273A>G, p.Tyr1758Cys (NM_001353949.2, NM_001353950.2, NM_001353951.2 and 2 more transcripts); c.5270A>G, p.Tyr1757Cys (NM_001353954.2, NM_001353955.2); c.5219A>G, p.Tyr1740Cys (NM_001353960.2); c.2864A>G, p.Tyr955Cys (NM_001353961.2); short protein forms Y1758C, Y1769C, Y1757C, Y955C, Y1740C, Y1741C.
Identifiers: ClinVar variation 265303 (VCV000265303.10), dbSNP rs886039460, ClinGen allele CA10588317.